The following is an entry in ClinVar:

NM_024675.4(PALB2):c.2609T>G (p.Val870Gly)

Gene: PALB2 (partner and localizer of BRCA2; minus strand). Cytogenetic location: 16p12.2.
Variant type: single nucleotide variant.
Coding change: c.2609T>G on transcript NM_024675.4 (MANE Select); coding-DNA position 2609, T replaced by G.
Protein change: p.Val870Gly; replaces valine 870 with glycine.
Molecular consequence: missense variant.
Genome position (GRCh38, 1-based): chr16:23,626,375, A>C on the plus strand (T>G on the coding strand, the complement: PALB2 is on the minus strand). VCF-style: chr16-23626375-A-C. GRCh37 (hg19) VCF-style: chr16-23637696-A-C.
Other names: short protein forms V870G.
Identifiers: ClinVar variation 1521467 (VCV001521467.9), dbSNP rs876659819, ClinGen allele CA395122214.

ClinVar aggregate classification (germline): Uncertain significance (1 of 4 stars; one submission).

Conditions:
Familial cancer of breast. Also called: hereditary breast carcinoma; BREAST CANCER, FAMILIAL; Hereditary breast cancer. Identifiers: Orphanet 227535, MedGen C0346153, MONDO:0016419, OMIM 114480. Disease mechanism: loss of function.

Submission:

Labcorp Genetics (formerly Invitae), Labcorp
Classification: Uncertain significance for Familial cancer of breast. Last evaluated: 2023-07-14. Review status: criteria provided, single submitter. Criteria: Invitae Variant Classification Sherloc (09022015). Collection method: clinical testing. Allele origin: germline.
Comment: This sequence change replaces valine, which is neutral and non-polar, with glycine, which is neutral and non-polar, at codon 870 of the PALB2 protein (p.Val870Gly). This variant is not present in population databases (gnomAD no frequency). This variant has not been reported in the literature in individuals affected with PALB2-related conditions. ClinVar contains an entry for this variant (Variation ID: 1521467). Advanced modeling of protein sequence and biophysical properties (such as structural, functional, and spatial information, amino acid conservation, physicochemical variation, residue mobility, and thermodynamic stability) performed at Invitae indicates that this missense variant is expected to disrupt PALB2 protein function. Algorithms developed to predict the effect of sequence changes on RNA splicing suggest that this variant may create or strengthen a splice site. In summary, the available evidence is currently insufficient to determine the role of this variant in disease. Therefore, it has been classified as a Variant of Uncertain Significance.